The following is an entry in ClinVar:

ClinVar aggregate classification (germline): Uncertain significance (1 of 4 stars; one submission).

gnomAD v4.1: 1 of 1,610,444 alleles (0.000062%); highest among the groups gnomAD compares: Non-Finnish European, 0.000085%; no homozygotes.

Submission:

Ambry Genetics
Classification: Uncertain significance. Last evaluated: 2024-11-17. Review status: criteria provided, single submitter. Criteria: Ambry Variant Classification Scheme 2023. Collection method: clinical testing. Allele origin: germline.
Comment: The p.L265V variant (also known as c.793T>G), located in coding exon 7 of the KIF1B gene, results from a T to G substitution at nucleotide position 793. The leucine at codon 265 is replaced by valine, an amino acid with highly similar properties. This amino acid position is conserved. In addition, this alteration is predicted to be deleterious by in silico analysis. Based on the available evidence, the clinical significance of this variant remains unclear.

NM_001365951.3(KIF1B):c.793T>G (p.Leu265Val)

Gene: KIF1B (kinesin family member 1B; plus strand). Cytogenetic location: 1p36.22.
Variant type: single nucleotide variant.
Coding change: c.793T>G on transcript NM_001365951.3 (MANE Select); coding-DNA position 793, T replaced by G.
Protein change: p.Leu265Val; replaces leucine 265 with valine.
Molecular consequence: missense variant.
Genome position (GRCh38, 1-based): chr1:10,271,574, T>G. VCF-style: chr1-10271574-T-G. GRCh37 (hg19) VCF-style: chr1-10331632-T-G.
Other names: c.793T>G, p.Leu265Val (NM_001365953.1, NM_015074.3, NM_183416.4 and 1 more transcripts); short protein forms L265V.
Identifiers: ClinVar variation 3288489 (VCV003288489.2).